The following is an entry in ClinVar:

NM_000715.4(C4BPA):c.719G>A (p.Arg240His)

Gene: C4BPA (complement component 4 binding protein alpha; plus strand). Cytogenetic location: 1q32.2.
Variant type: single nucleotide variant.
Coding change: c.719G>A on transcript NM_000715.4 (MANE Select); coding-DNA position 719, G replaced by A.
Protein change: p.Arg240His; replaces arginine 240 with histidine.
Molecular consequence: missense variant.
Genome position (GRCh38, 1-based): chr1:207,126,725, G>A. VCF-style: chr1-207126725-G-A. GRCh37 (hg19) VCF-style: chr1-207300070-G-A.
Other names: short protein forms R240H.
Identifiers: ClinVar variation 1175658 (VCV001175658.16), dbSNP rs45574833, ClinGen allele CA1367622.
Genomic context (GRCh38, chr1:207,126,725, plus strand): 5'-TACCATCTATCTTTTAAAATCCACTTGTCTTTTCTCATGATTCTTTAGAAATCACCTGTC[G>A]CAAGCCAGATGTTTCACATGGGGAAATGGTCTCTGGATTTGGACCCATCTATAATTACAA-3'
Protein context (NP_000706.1, residues 230-250): SPPTCEKITC[Arg240His]KPDVSHGEMV

ClinVar aggregate classification (germline): Benign. Review status: criteria provided, multiple submitters, no conflicts (2 of 4 stars). 3 submissions from 3 submitters: Benign (3). Last evaluated 2024-10-01.

Allele frequency attached by ClinVar (database versions not stated): 1000 Genomes Project 0.00300; 1000 Genomes Project 30x 0.00359; TOPMed 0.00819; ESP Exome Variant Server 0.00953; gnomAD 0.01343 and 0.01393; gnomAD exomes 0.01385 and 0.01426; ExAC 0.01395.
gnomAD v4.1: 22,069 of 1,605,946 alleles (1.4%); highest among the groups gnomAD compares: Non-Finnish European, 1.4%; 307 homozygotes.

Submissions (3):

CeGaT Center for Human Genetics Tuebingen
Classification: Benign. Last evaluated: 2024-10-01. Review status: criteria provided, single submitter. Criteria: CeGaT Center For Human Genetics Tuebingen Variant Classification Criteria Version 2. Collection method: clinical testing. Allele origin: germline. Affected: yes. Observed: 1 variant allele.
Comment: C4BPA: BP4, BS1, BS2

GeneDx
Classification: Benign. Last evaluated: 2021-06-09. Review status: criteria provided, single submitter. Criteria: GeneDx Variant Classification Process June 2021. Collection method: clinical testing. Allele origin: germline. Affected: yes.
Comment: This variant is associated with the following publications: (PMID: 18424762)

Breakthrough Genomics
Classification: Benign. Review status: criteria provided, single submitter. Criteria: ACMG Guidelines, 2015. Collection method: not provided. Allele origin: germline. Inheritance: Unknown mechanism. Affected: yes.